The following is an entry in ClinVar:

NM_000038.6(APC):c.6352G>C (p.Ala2118Pro)

Gene: APC (APC regulator of Wnt signaling pathway; plus strand). Cytogenetic location: 5q22.2.
Variant type: single nucleotide variant.
Coding change: c.6352G>C on transcript NM_000038.6 (MANE Select); coding-DNA position 6352, G replaced by C.
Protein change: p.Ala2118Pro; replaces alanine 2118 with proline.
Molecular consequence: missense variant. On other transcripts: non-coding transcript variant (2).
Genome position (GRCh38, 1-based): chr5:112,841,946, G>C. VCF-style: chr5-112841946-G-C. GRCh37 (hg19) VCF-style: chr5-112177643-G-C.
Other names: c.6352G>C, p.Ala2118Pro (NM_001127510.3, NM_001354895.2, NM_001407450.1); c.6298G>C, p.Ala2100Pro (NM_001127511.3); c.6406G>C, p.Ala2136Pro (NM_001354896.2, NM_001407447.1, NM_001407448.1 and 1 more transcripts); c.6382G>C, p.Ala2128Pro (NM_001354897.2); c.6277G>C, p.Ala2093Pro (NM_001354898.2); c.6268G>C, p.Ala2090Pro (NM_001354899.2); c.6229G>C, p.Ala2077Pro (NM_001354900.2); c.6175G>C, p.Ala2059Pro (NM_001354901.2, NM_001407453.1); and 11 more; short protein forms A2017P, A2077P, A1734P, A1835P, A1958P, A2035P, A2118P, A2128P.
Identifiers: ClinVar variation 3635501 (VCV003635501.2).

ClinVar aggregate classification (germline): Uncertain significance (1 of 4 stars; one submission).

Conditions:
Familial adenomatous polyposis 1 (FAP1). Also called: FAMILIAL ADENOMATOUS POLYPOSIS 1, ATTENUATED; POLYPOSIS, ADENOMATOUS INTESTINAL. Identifiers: MedGen C2713442, MONDO:0021056, OMIM 175100. Disease mechanism: loss of function.

Submission:

Labcorp Genetics (formerly Invitae), Labcorp
Classification: Uncertain significance for Familial adenomatous polyposis 1. Last evaluated: 2026-01-07. Review status: criteria provided, single submitter. Criteria: Invitae Variant Classification Sherloc (09022015). Collection method: clinical testing. Allele origin: germline.
Comment: This sequence change replaces alanine, which is neutral and non-polar, with proline, which is neutral and non-polar, at codon 2118 of the APC protein (p.Ala2118Pro). This variant is not present in population databases (gnomAD no frequency). This variant has not been reported in the literature in individuals affected with APC-related conditions. ClinVar contains an entry for this variant (Variation ID: 3635501). Invitae Evidence Modeling of protein sequence and biophysical properties (such as structural, functional, and spatial information, amino acid conservation, physicochemical variation, residue mobility, and thermodynamic stability) indicates that this missense variant is not expected to disrupt APC protein function with a negative predictive value of 95%. In summary, the available evidence is currently insufficient to determine the role of this variant in disease. Therefore, it has been classified as a Variant of Uncertain Significance.